The following is an entry in ClinVar:

ClinVar aggregate classification (germline): Uncertain significance (1 of 4 stars; one submission).

Submission:

Ambry Genetics
Classification: Uncertain significance. Last evaluated: 2025-07-22. Review status: criteria provided, single submitter. Criteria: Ambry Variant Classification Scheme 2023. Collection method: clinical testing. Allele origin: germline.
Comment: The p.N437K variant (also known as c.1311C>G), located in coding exon 5 of the WNK2 gene, results from a C to G substitution at nucleotide position 1311. The asparagine at codon 437 is replaced by lysine, an amino acid with similar properties. This amino acid position is conserved. In addition, this alteration is predicted to be tolerated by in silico analysis. Based on the available evidence, the clinical significance of this variant remains unclear.

NM_006648.4(WNK2):c.1311C>G (p.Asn437Lys)

Gene: WNK2 (WNK lysine deficient protein kinase 2; plus strand). Cytogenetic location: 9q22.31.
Variant type: single nucleotide variant.
Coding change: c.1311C>G on transcript NM_006648.4 (MANE Select); coding-DNA position 1311, C replaced by G.
Protein change: p.Asn437Lys; replaces asparagine 437 with lysine.
Molecular consequence: missense variant.
Genome position (GRCh38, 1-based): chr9:93,238,310, C>G. VCF-style: chr9-93238310-C-G. GRCh37 (hg19) VCF-style: chr9-96000592-C-G.
Other names: c.1311C>G, p.Asn437Lys (NM_001282394.3); short protein forms N437K.
Identifiers: ClinVar variation 4201649 (VCV004201649.1).
Genomic context (GRCh38, chr9:93,238,310, plus strand): 5'-CTTTGAGAAAGTGCACGATCCTGAAATCAAGGAGATTATTGGGGAGTGTATCTGCAAAAA[C>G]AAGGAGGAAAGGTGAGTTCCCCTGAAGGGCTGGGTTCTGGGGTCCATCTCCAGCTGAACT-3'
Protein context (NP_006639.3, residues 427-447): KEIIGECICK[Asn437Lys]KEERYEIKDL